The following is an entry in ClinVar:

NM_002519.3(NPAT):c.3248T>C (p.Met1083Thr)

Gene: NPAT (nuclear protein, coactivator of histone transcription; minus strand). Cytogenetic location: 11q22.3.
Variant type: single nucleotide variant.
Coding change: c.3248T>C on transcript NM_002519.3 (MANE Select); coding-DNA position 3248, T replaced by C.
Protein change: p.Met1083Thr; replaces methionine 1083 with threonine.
Molecular consequence: missense variant.
Genome position (GRCh38, 1-based): chr11:108,161,838, A>G on the plus strand (T>C on the coding strand, the complement: NPAT is on the minus strand). VCF-style: chr11-108161838-A-G. GRCh37 (hg19) VCF-style: chr11-108032565-A-G.
Other names: c.3269T>C, p.Met1090Thr (NM_001321307.1); short protein forms M1083T, M1090T.
Identifiers: ClinVar variation 1729363 (VCV001729363.2), dbSNP rs772960900, ClinGen allele CA6263609.

ClinVar aggregate classification (germline): Uncertain significance (1 of 4 stars; one submission).

Allele frequency attached by ClinVar (database versions not stated): gnomAD exomes below 0.00001; ExAC 0.00001.

Submission:

Ambry Genetics
Classification: Uncertain significance. Last evaluated: 2022-10-04. Review status: criteria provided, single submitter. Criteria: Ambry Variant Classification Scheme 2023. Collection method: clinical testing. Allele origin: germline.
Comment: The p.M1083T variant (also known as c.3248T>C), located in coding exon 17 of the NPAT gene, results from a T to C substitution at nucleotide position 3248. The methionine at codon 1083 is replaced by threonine, an amino acid with similar properties. This amino acid position is conserved. In addition, this alteration is predicted to be tolerated by in silico analysis. Since supporting evidence is limited at this time, the clinical significance of this alteration remains unclear.